The following is an entry in ClinVar:

ClinVar aggregate classification (germline): Benign (1 of 4 stars; one submission).

gnomAD v4.1: 8,923 of 433,852 alleles (2.1%); highest among the groups gnomAD compares: Middle Eastern, 4.1%; 122 homozygotes.

Submission:

CeGaT Center for Human Genetics Tuebingen
Classification: Benign. Last evaluated: 2026-09-01. Review status: criteria provided, single submitter. Criteria: CeGaT Center For Human Genetics Tuebingen Variant Classification Criteria Version 2. Collection method: clinical testing. Allele origin: germline. Affected: yes. Observed: 8 variant alleles.
Comment: UMPS: BS1, BS2

NM_000373.4(UMPS):c.156+895G>A

Gene: UMPS (uridine monophosphate synthetase; plus strand). Cytogenetic location: 3q21.2.
Variant type: single nucleotide variant.
Coding change: c.156+895G>A on transcript NM_000373.4 (MANE Select); 895 bases into the intron after coding-DNA position 156, G replaced by A.
Molecular consequence: intron variant. On other transcripts: non-coding transcript variant (1).
Genome position (GRCh38, 1-based): chr3:124,731,522, G>A. VCF-style: chr3-124731522-G-A. GRCh37 (hg19) VCF-style: chr3-124450369-G-A.
Identifiers: ClinVar variation 4820710 (VCV004820710.4).
Genomic context (GRCh38, chr3:124,731,522, plus strand): 5'-CTAATCAATCGCTTGTGTTATTATTTTATTTATTTATTTTTTAGATGGGATCTCTCTTAC[G>A]TCACCCAGGCTGGAGTGCAGCTCTGTGATCATAGCTCACTGCAGCCTGGAACTCCTGGGC-3'